The following is an entry in ClinVar:

ClinVar aggregate classification (germline): Uncertain significance. Review status: criteria provided, multiple submitters, no conflicts (2 of 4 stars). 2 submissions from 2 submitters: Uncertain significance (2). Last evaluated 2025-11-13.

Conditions:
RYR1-related disorder. Also called: RYR1-related condition; RYR1-related disorders. Identifiers: MedGen CN239331.
Inborn genetic diseases. Identifiers: MedGen C0950123, MeSH D030342.

Submissions (2):

Ambry Genetics
Classification: Uncertain significance for Inborn genetic diseases. Last evaluated: 2025-11-13. Review status: criteria provided, single submitter. Criteria: Ambry Variant Classification Scheme 2023. Collection method: clinical testing. Allele origin: germline.

Labcorp Genetics (formerly Invitae), Labcorp
Classification: Uncertain significance for RYR1-related disorder. Last evaluated: 2024-03-15. Review status: criteria provided, single submitter. Criteria: Invitae Variant Classification Sherloc (09022015). Collection method: clinical testing. Allele origin: germline.
Comment: This sequence change replaces glutamine, which is neutral and polar, with lysine, which is basic and polar, at codon 633 of the RYR1 protein (p.Gln633Lys). This variant is not present in population databases (gnomAD no frequency). This variant has not been reported in the literature in individuals affected with RYR1-related conditions. ClinVar contains an entry for this variant (Variation ID: 2200021). Advanced modeling of protein sequence and biophysical properties (such as structural, functional, and spatial information, amino acid conservation, physicochemical variation, residue mobility, and thermodynamic stability) performed at Invitae indicates that this missense variant is expected to disrupt RYR1 protein function with a positive predictive value of 95%. In summary, the available evidence is currently insufficient to determine the role of this variant in disease. Therefore, it has been classified as a Variant of Uncertain Significance.

NM_000540.3(RYR1):c.1897C>A (p.Gln633Lys)

Gene: RYR1 (ryanodine receptor 1; plus strand). Cytogenetic location: 19q13.2.
Variant type: single nucleotide variant.
Coding change: c.1897C>A on transcript NM_000540.3 (MANE Select); coding-DNA position 1897, C replaced by A.
Protein change: p.Gln633Lys; replaces glutamine 633 with lysine.
Molecular consequence: missense variant.
Genome position (GRCh38, 1-based): chr19:38,457,602, C>A. VCF-style: chr19-38457602-C-A. GRCh37 (hg19) VCF-style: chr19-38948242-C-A.
Other names: c.1897C>A, p.Gln633Lys (NM_001042723.2); short protein forms Q633K.
Identifiers: ClinVar variation 2200021 (VCV002200021.4), dbSNP rs2514038734, ClinGen allele CA405694241.